The following is an entry in ClinVar:

NM_206926.2(SELENON):c.1398+6C>T

Gene: SELENON (selenoprotein N; plus strand). Cytogenetic location: 1p36.11.
Variant type: single nucleotide variant.
Coding change: c.1398+6C>T on transcript NM_206926.2 (MANE Select); 6 bases into the intron after coding-DNA position 1398, C replaced by T.
Molecular consequence: intron variant.
Genome position (GRCh38, 1-based): chr1:25,813,999, C>T. VCF-style: chr1-25813999-C-T. GRCh37 (hg19) VCF-style: chr1-26140490-C-T.
Other names: c.1500+6C>T (NM_020451.3).
Identifiers: ClinVar variation 1351991 (VCV001351991.3), dbSNP rs1245353353, ClinGen allele CA521739860.

ClinVar aggregate classification (germline): Uncertain significance (1 of 4 stars; one submission).

Conditions:
Eichsfeld type congenital muscular dystrophy (CMYO3). Also called: MYOPATHY, SEPN1-RELATED; SELENON-related myopathy; Congenital myopathy 3 with rigid spine; Rigid spine muscular dystrophy 1. Identifiers: MedGen C0410180, MONDO:0100100, OMIM 602771.

Allele frequency attached by ClinVar (database versions not stated): TOPMed 0.00001; gnomAD exomes below 0.00001; gnomAD 0.00001.
gnomAD v4.1: 6 of 1,612,842 alleles (0.00037%); highest among the groups gnomAD compares: East Asian, 0.0022%; no homozygotes.

Submission:

Labcorp Genetics (formerly Invitae), Labcorp
Classification: Uncertain significance for Eichsfeld type congenital muscular dystrophy. Last evaluated: 2022-03-26. Review status: criteria provided, single submitter. Criteria: Invitae Variant Classification Sherloc (09022015). Collection method: clinical testing. Allele origin: germline.
Comment: This sequence change falls in intron 11 of the SELENON gene. It does not directly change the encoded amino acid sequence of the SELENON protein. It affects a nucleotide within the consensus splice site. This variant is present in population databases (no rsID available, gnomAD 0.003%). This variant has not been reported in the literature in individuals affected with SELENON-related conditions. Variants that disrupt the consensus splice site are a relatively common cause of aberrant splicing (PMID: 17576681, 9536098). Algorithms developed to predict the effect of sequence changes on RNA splicing suggest that this variant is not likely to affect RNA splicing. In summary, the available evidence is currently insufficient to determine the role of this variant in disease. Therefore, it has been classified as a Variant of Uncertain Significance.

Literature cited by the submitters: PubMed 17576681; PubMed 9536098.